The following is an entry in ClinVar:

NM_015057.5(MYCBP2):c.1957A>G (p.Ile653Val)

Gene: MYCBP2 (MYC binding protein 2; minus strand). Cytogenetic location: 13q22.3.
Variant type: single nucleotide variant.
Coding change: c.1957A>G on transcript NM_015057.5 (MANE Select); coding-DNA position 1957, A replaced by G.
Protein change: p.Ile653Val; replaces isoleucine 653 with valine.
Molecular consequence: missense variant.
Genome position (GRCh38, 1-based): chr13:77,260,488, T>C on the plus strand (A>G on the coding strand, the complement: MYCBP2 is on the minus strand). VCF-style: chr13-77260488-T-C. GRCh37 (hg19) VCF-style: chr13-77834623-T-C.
Other names: short protein forms I653V.
Identifiers: ClinVar variation 3375572 (VCV003375572.2).
Genomic context (GRCh38, chr13:77,260,488, plus strand): 5'-TTGAACTATCAGAGTAAATGGCATCTTTTCCAAACATGTAGAGTTCTCCATCTTTAGAAA[T>C]AACAGAACTACTTCCATTATTGCAGGCTGTATATACCACAATCTTTCCTTCCATCTTAAT-3'
Protein context (NP_055872.4, residues 643-663): TACNNGSSSV[Ile653Val]SKDGELYMFG

ClinVar aggregate classification (germline): Uncertain significance (1 of 4 stars; one submission).

Submission:

GeneDx
Classification: Uncertain significance. Last evaluated: 2026-04-26. Review status: criteria provided, single submitter. Criteria: GeneDx Variant Classification Process June 2021. Collection method: clinical testing. Allele origin: germline.
Comment: Not observed at significant frequency in large population cohorts (gnomAD); In silico analysis suggests that this missense variant does not alter protein structure/function; Has not been previously published as pathogenic or benign to our knowledge